The following is an entry in ClinVar:

ClinVar aggregate classification (germline): Likely benign (1 of 4 stars; one submission).

Allele frequency attached by ClinVar (database versions not stated): 1000 Genomes Project 0.00060; 1000 Genomes Project 30x 0.00062.
gnomAD v4.1: 139 of 1,550,194 alleles (0.009%); highest among the groups gnomAD compares: African/African-American, 0.18%; no homozygotes.

Submission:

CeGaT Center for Human Genetics Tuebingen
Classification: Likely benign. Last evaluated: 2022-12-01. Review status: criteria provided, single submitter. Criteria: CeGaT Center For Human Genetics Tuebingen Variant Classification Criteria Version 2. Collection method: clinical testing. Allele origin: germline. Affected: yes. Observed: 1 variant allele.
Comment: SHANK2: BS1

NM_012309.5(SHANK2):c.498A>T (p.Lys166Asn)

Gene: SHANK2 (SH3 and multiple ankyrin repeat domains 2; minus strand). Cytogenetic location: 11q13.4.
Variant type: single nucleotide variant.
Coding change: c.498A>T on transcript NM_012309.5 (MANE Select); coding-DNA position 498, A replaced by T.
Protein change: p.Lys166Asn; replaces lysine 166 with asparagine.
Molecular consequence: missense variant.
Genome position (GRCh38, 1-based): chr11:71,110,035, T>A on the plus strand (A>T on the coding strand, the complement: SHANK2 is on the minus strand). VCF-style: chr11-71110035-T-A. GRCh37 (hg19) VCF-style: chr11-70821081-T-A.
Other names: short protein forms K166N.
Identifiers: ClinVar variation 2642102 (VCV002642102.24), dbSNP rs571364105, ClinGen allele CA6162115.